The following is an entry in ClinVar:

NM_001447.3(FAT2):c.12074C>T (p.Ala4025Val)

Genes: FAT2 (FAT atypical cadherin 2; minus strand), SLC36A1 (solute carrier family 36 member 1; plus strand). Cytogenetic location: 5q33.1.
Variant type: single nucleotide variant.
Coding change: c.12074C>T on transcript NM_001447.3 (MANE Select); coding-DNA position 12074, C replaced by T.
Protein change: p.Ala4025Val; replaces alanine 4025 with valine.
Molecular consequence: missense variant.
Genome position (GRCh38, 1-based): chr5:151,507,597, G>A on the plus strand (C>T on the coding strand, the complement: FAT2 is on the minus strand). VCF-style: chr5-151507597-G-A. GRCh37 (hg19) VCF-style: chr5-150887158-G-A.
Other names: c.12074C>T (NM_001447.2); short protein forms A4025V.
Identifiers: ClinVar variation 2160521 (VCV002160521.5), dbSNP rs538316910, ClinGen allele CA3519853.

ClinVar aggregate classification (germline): Uncertain significance. Review status: criteria provided, multiple submitters, no conflicts (2 of 4 stars). 2 submissions from 2 submitters: Uncertain significance (2). Last evaluated 2025-09-10.

Allele frequency attached by ClinVar (database versions not stated): ExAC 0.00012; 1000 Genomes Project 30x 0.00016; 1000 Genomes Project 0.00020.
gnomAD v4.1: 62 of 1,599,654 alleles (0.0039%); highest among the groups gnomAD compares: Admixed American, 0.065%; 2 homozygotes.

Submissions (2):

Labcorp Genetics (formerly Invitae), Labcorp
Classification: Uncertain significance. Last evaluated: 2025-09-10. Review status: criteria provided, single submitter. Criteria: Invitae Variant Classification Sherloc (09022015). Collection method: clinical testing. Allele origin: germline.
Comment: This sequence change replaces alanine, which is neutral and non-polar, with valine, which is neutral and non-polar, at codon 4025 of the FAT2 protein (p.Ala4025Val). This variant is present in population databases (rs538316910, gnomAD 0.1%), and has an allele count higher than expected for a pathogenic variant. This variant has not been reported in the literature in individuals affected with FAT2-related conditions. ClinVar contains an entry for this variant (Variation ID: 2160521). An algorithm developed to predict the effect of missense changes on protein structure and function outputs the following: PolyPhen-2: "Benign". The valine amino acid residue is found in multiple mammalian species, which suggests that this missense change does not adversely affect protein function. In summary, the available evidence is currently insufficient to determine the role of this variant in disease. Therefore, it has been classified as a Variant of Uncertain Significance.

Ambry Genetics
Classification: Uncertain significance. Last evaluated: 2021-07-14. Review status: criteria provided, single submitter. Criteria: Ambry Variant Classification Scheme 2023. Collection method: clinical testing. Allele origin: germline.